The following is an entry in ClinVar:

ClinVar aggregate classification (germline): Uncertain significance (1 of 4 stars; one submission).

gnomAD v4.1: 1 of 1,614,124 alleles (0.000062%); highest among the groups gnomAD compares: Admixed American, 0.0017%; no homozygotes.

Submission:

GeneDx
Classification: Uncertain significance. Last evaluated: 2024-10-08. Review status: criteria provided, single submitter. Criteria: GeneDx Variant Classification Process June 2021. Collection method: clinical testing. Allele origin: germline. Affected: yes.
Comment: Not observed at significant frequency in large population cohorts (gnomAD); In silico analysis indicates that this missense variant does not alter protein structure/function; Has not been previously published as pathogenic or benign to our knowledge; This variant is associated with the following publications: (PMID: 8616895)

NM_004380.3(CREBBP):c.136C>T (p.Pro46Ser)

Gene: CREBBP (CREB binding protein; minus strand). Cytogenetic location: 16p13.3.
Variant type: single nucleotide variant.
Coding change: c.136C>T on transcript NM_004380.3 (MANE Select); coding-DNA position 136, C replaced by T.
Protein change: p.Pro46Ser; replaces proline 46 with serine.
Molecular consequence: missense variant.
Genome position (GRCh38, 1-based): chr16:3,850,959, G>A on the plus strand (C>T on the coding strand, the complement: CREBBP is on the minus strand). VCF-style: chr16-3850959-G-A. GRCh37 (hg19) VCF-style: chr16-3900960-G-A.
Other names: c.136C>T, p.Pro46Ser (NM_001079846.1); short protein forms P46S.
Identifiers: ClinVar variation 3777487 (VCV003777487.1).